The following is an entry in ClinVar:

NM_001371596.2(MFSD8):c.885G>A (p.Met295Ile)

Gene: MFSD8 (major facilitator superfamily domain containing 8; minus strand). Cytogenetic location: 4q28.2.
Variant type: single nucleotide variant.
Coding change: c.885G>A on transcript NM_001371596.2 (MANE Select); coding-DNA position 885, G replaced by A.
Protein change: p.Met295Ile; replaces methionine 295 with isoleucine.
Molecular consequence: missense variant.
Genome position (GRCh38, 1-based): chr4:127,930,796, C>T on the plus strand (G>A on the coding strand, the complement: MFSD8 is on the minus strand). VCF-style: chr4-127930796-C-T. GRCh37 (hg19) VCF-style: chr4-128851951-C-T.
Other names: c.684G>A, p.Met228Ile (NM_001363520.3); c.570G>A, p.Met190Ile (NM_001363521.3); c.750G>A, p.Met250Ile (NM_001371590.2); c.885G>A, p.Met295Ile (NM_001371591.2, NM_152778.4); c.891G>A, p.Met297Ile (NM_001371592.2); c.771G>A, p.Met257Ile (NM_001371593.2, NM_001410766.1); c.738G>A, p.Met246Ile (NM_001371594.2); c.603G>A, p.Met201Ile (NM_001371595.1); and 1 more; short protein forms M190I, M228I, M250I, M257I, M297I, M201I, M246I, M145I.
Identifiers: ClinVar variation 1995073 (VCV001995073.4), dbSNP rs1382137693, ClinGen allele CA358174131.

ClinVar aggregate classification (germline): Uncertain significance (1 of 4 stars; one submission).

Conditions:
Neuronal ceroid lipofuscinosis 7 (CLN7). Also called: MFSD8-Related Neuronal Ceroid-Lipofuscinosis. Identifiers: Orphanet 168491, Orphanet 228366, MedGen C1838571, MONDO:0012588, OMIM 610951.

Allele frequency attached by ClinVar (database versions not stated): gnomAD exomes below 0.00001.
gnomAD v4.1: 2 of 1,610,668 alleles (0.00012%); highest among the groups gnomAD compares: South Asian, 0.0011%; no homozygotes.

Submission:

Labcorp Genetics (formerly Invitae), Labcorp
Classification: Uncertain significance for Neuronal ceroid lipofuscinosis 7. Last evaluated: 2022-09-15. Review status: criteria provided, single submitter. Criteria: Invitae Variant Classification Sherloc (09022015). Collection method: clinical testing. Allele origin: germline.
Comment: This sequence change replaces methionine, which is neutral and non-polar, with isoleucine, which is neutral and non-polar, at codon 295 of the MFSD8 protein (p.Met295Ile). This variant is present in population databases (no rsID available, gnomAD 0.003%). This variant has not been reported in the literature in individuals affected with MFSD8-related conditions. Advanced modeling of protein sequence and biophysical properties (such as structural, functional, and spatial information, amino acid conservation, physicochemical variation, residue mobility, and thermodynamic stability) performed at Invitae indicates that this missense variant is not expected to disrupt MFSD8 protein function. In summary, the available evidence is currently insufficient to determine the role of this variant in disease. Therefore, it has been classified as a Variant of Uncertain Significance.